The following is an entry in ClinVar:

ClinVar aggregate classification (germline): Uncertain significance (1 of 4 stars; one submission).

Conditions:
DOCK2 deficiency. Also called: Immunodeficiency 40. Identifiers: Orphanet 447737, MedGen C4225328, MONDO:0014637, OMIM 616433.

gnomAD v4.1: 8 of 1,613,982 alleles (0.0005%); no homozygotes.

Submission:

Labcorp Genetics (formerly Invitae), Labcorp
Classification: Uncertain significance for DOCK2 deficiency. Last evaluated: 2023-11-28. Review status: criteria provided, single submitter. Criteria: Invitae Variant Classification Sherloc (09022015). Collection method: clinical testing. Allele origin: germline.
Comment: This sequence change replaces glycine, which is neutral and non-polar, with alanine, which is neutral and non-polar, at codon 1087 of the DOCK2 protein (p.Gly1087Ala). This variant is not present in population databases (gnomAD no frequency). This variant has not been reported in the literature in individuals affected with DOCK2-related conditions. ClinVar contains an entry for this variant (Variation ID: 1938425). An algorithm developed to predict the effect of missense changes on protein structure and function (PolyPhen-2) suggests that this variant is likely to be tolerated. In summary, the available evidence is currently insufficient to determine the role of this variant in disease. Therefore, it has been classified as a Variant of Uncertain Significance.

NM_004946.3(DOCK2):c.3260G>C (p.Gly1087Ala)

Gene: DOCK2 (dedicator of cytokinesis 2; plus strand). Cytogenetic location: 5q35.1.
Variant type: single nucleotide variant.
Coding change: c.3260G>C on transcript NM_004946.3 (MANE Select); coding-DNA position 3260, G replaced by C.
Protein change: p.Gly1087Ala; replaces glycine 1087 with alanine.
Molecular consequence: missense variant. On other transcripts: non-coding transcript variant (1).
Genome position (GRCh38, 1-based): chr5:170,018,987, G>C. VCF-style: chr5-170018987-G-C. GRCh37 (hg19) VCF-style: chr5-169445991-G-C.
Other names: short protein forms G1087A.
Identifiers: ClinVar variation 1938425 (VCV001938425.5), dbSNP rs2532413472, ClinGen allele CA362104983.